The following is an entry in ClinVar:

NM_032634.4(PIGO):c.2287G>T (p.Val763Leu)

Gene: PIGO (phosphatidylinositol glycan anchor biosynthesis class O; minus strand). Cytogenetic location: 9p13.3.
Variant type: single nucleotide variant.
Coding change: c.2287G>T on transcript NM_032634.4 (MANE Select); coding-DNA position 2287, G replaced by T.
Protein change: p.Val763Leu; replaces valine 763 with leucine.
Molecular consequence: missense variant. On other transcripts: intron variant (2).
Genome position (GRCh38, 1-based): chr9:35,091,600, C>A on the plus strand (G>T on the coding strand, the complement: PIGO is on the minus strand). VCF-style: chr9-35091600-C-A. GRCh37 (hg19) VCF-style: chr9-35091597-C-A.
Other names: c.1345-309G>T (NM_152850.4, NM_001201484.2); short protein forms V763L.
Identifiers: ClinVar variation 387821 (VCV000387821.19), dbSNP rs146576650, ClinGen allele CA5040451.

ClinVar aggregate classification (germline): Uncertain significance. Review status: criteria provided, multiple submitters, no conflicts (2 of 4 stars). 4 submissions from 4 submitters: Uncertain significance (4). Last evaluated 2025-05-20.

Conditions:
Inborn genetic diseases. Identifiers: MedGen C0950123, MeSH D030342.
Hyperphosphatasia with impaired intellectual development syndrome 2. Also called: GLYCOSYLPHOSPHATIDYLINOSITOL BIOSYNTHESIS DEFECT 6; Hyperphosphatasia with intellectual disability syndrome 2. Identifiers: Orphanet 247262, MedGen C3553637, MONDO:0013882, OMIM 614749.

Allele frequency attached by ClinVar (database versions not stated): ExAC 0.00004; gnomAD 0.00009; ESP Exome Variant Server 0.00023; gnomAD exomes 0.00008 and 0.00035; TOPMed 0.00014.
gnomAD v4.1: 513 of 1,613,746 alleles (0.032%); highest among the groups gnomAD compares: Non-Finnish European, 0.043%; no homozygotes.

Submissions (4):

GeneDx
Classification: Uncertain significance. Last evaluated: 2025-05-20. Review status: criteria provided, single submitter. Criteria: GeneDx Variant Classification Process June 2021. Collection method: clinical testing. Allele origin: germline. Affected: yes.
Comment: In silico analysis suggests that this missense variant does not alter protein structure/function; Has not been previously published as pathogenic or benign to our knowledge

Ambry Genetics
Classification: Uncertain significance for Inborn genetic diseases. Last evaluated: 2022-12-21. Review status: criteria provided, single submitter. Criteria: Ambry Variant Classification Scheme 2023. Collection method: clinical testing. Allele origin: germline.

Labcorp Genetics (formerly Invitae), Labcorp
Classification: Uncertain significance for Hyperphosphatasia with impaired intellectual development syndrome 2. Last evaluated: 2022-10-13. Review status: criteria provided, single submitter. Criteria: Invitae Variant Classification Sherloc (09022015). Collection method: clinical testing. Allele origin: germline.
Comment: This sequence change replaces valine, which is neutral and non-polar, with leucine, which is neutral and non-polar, at codon 763 of the PIGO protein (p.Val763Leu). This variant is present in population databases (rs146576650, gnomAD 0.01%). This variant has not been reported in the literature in individuals affected with PIGO-related conditions. ClinVar contains an entry for this variant (Variation ID: 387821). Algorithms developed to predict the effect of missense changes on protein structure and function (SIFT, PolyPhen-2, Align-GVGD) all suggest that this variant is likely to be tolerated. In summary, the available evidence is currently insufficient to determine the role of this variant in disease. Therefore, it has been classified as a Variant of Uncertain Significance.

Illumina Laboratory Services, Illumina
Classification: Uncertain significance for Hyperphosphatasia with impaired intellectual development syndrome 2. Last evaluated: 2018-03-30. Review status: criteria provided, single submitter. Criteria: ICSL Variant Classification Criteria 13 December 2019. Collection method: clinical testing. Allele origin: germline.